The following is an entry in ClinVar:

ClinVar aggregate classification (germline): Likely pathogenic (1 of 4 stars; one submission).

Conditions:
Developmental delay with variable intellectual impairment and behavioral abnormalities. Identifiers: MedGen C5193092, MONDO:0032745, OMIM 618430.

Submission:

Greenwood Genetic Center Diagnostic Laboratories, Greenwood Genetic Center
Classification: Likely pathogenic for Developmental delay with variable intellectual impairment and behavioral abnormalities. Last evaluated: 2022-06-02. Review status: criteria provided, single submitter. Criteria: ACMG Guidelines, 2015. Collection method: clinical testing. Allele origin: germline. Affected: yes.
Comment: PS2, PM2, PP3

NM_001378418.1(TCF20):c.731C>T (p.Ser244Phe)

Gene: TCF20 (transcription factor 20; minus strand). Cytogenetic location: 22q13.2.
Variant type: single nucleotide variant.
Coding change: c.731C>T on transcript NM_001378418.1 (MANE Select); coding-DNA position 731, C replaced by T.
Protein change: p.Ser244Phe; replaces serine 244 with phenylalanine.
Molecular consequence: missense variant.
Genome position (GRCh38, 1-based): chr22:42,214,575, G>A on the plus strand (C>T on the coding strand, the complement: TCF20 is on the minus strand). VCF-style: chr22-42214575-G-A. GRCh37 (hg19) VCF-style: chr22-42610581-G-A.
Other names: c.731C>T, p.Ser244Phe (NM_005650.4, NM_181492.3); short protein forms S244F.
Identifiers: ClinVar variation 1703090 (VCV001703090.3), dbSNP rs2518242829, ClinGen allele CA411792368.